The following is an entry in ClinVar:

ClinVar aggregate classification (germline): Conflicting classifications of pathogenicity. Review status: criteria provided, conflicting classifications (1 of 4 stars). 6 submissions from 6 submitters: Uncertain significance (1); Benign (3); Likely benign (1). 1 of the submissions does not count toward it. Last evaluated 2024-08-28.

Conditions:
TNNI2-related disorder. Also called: TNNI2-related condition.

Allele frequency attached by ClinVar (database versions not stated): gnomAD exomes 0.00054; ExAC 0.00069; ESP Exome Variant Server 0.00192; 1000 Genomes Project 0.00220; gnomAD 0.00234 and 0.00247; 1000 Genomes Project 30x 0.00250; TOPMed 0.00255.
gnomAD v4.1: 690 of 1,613,224 alleles (0.043%); highest among the groups gnomAD compares: African/African-American, 0.74%; 2 homozygotes.

Submissions (6):

Blueprint Genetics
Classification: Likely benign. Last evaluated: 2024-08-28. Review status: criteria provided, single submitter. Criteria: ACMG Guidelines, 2015. Collection method: clinical testing. Allele origin: germline.

Labcorp Genetics (formerly Invitae), Labcorp
Classification: Benign. Last evaluated: 2019-12-31. Review status: criteria provided, single submitter. Criteria: Invitae Variant Classification Sherloc (09022015). Collection method: clinical testing. Allele origin: germline.

GeneDx
Classification: Benign. Last evaluated: 2019-02-26. Review status: criteria provided, single submitter. Criteria: GeneDx Variant Classification Process June 2021. Collection method: clinical testing. Allele origin: germline. Affected: yes.

Genetic Services Laboratory, University of Chicago
Classification: Uncertain significance. Last evaluated: 2014-11-07. Review status: criteria provided, single submitter. Criteria: ACMG Guidelines, 2015. Collection method: clinical testing. Allele origin: germline.

Eurofins Ntd Llc (ga)
Classification: Benign. Last evaluated: 2013-08-01. Review status: criteria provided, single submitter. Criteria: EGL Classification Definitions 2015. Collection method: clinical testing. Allele origin: germline. Observed: 2 variant alleles, 2 heterozygotes.

PreventionGenetics, part of Exact Sciences
Classification: Benign for TNNI2-related condition. Last evaluated: 2023-05-22. Review status: no assertion criteria provided. Collection method: clinical testing. Allele origin: germline. Not counted in ClinVar's aggregate classification.
Comment: This variant is classified as benign based on ACMG/AMP sequence variant interpretation guidelines (Richards et al. 2015 PMID: 25741868, with internal and published modifications).

NM_003282.4(TNNI2):c.354G>A (p.Ser118=)

Gene: TNNI2 (troponin I2, fast skeletal type; plus strand). Cytogenetic location: 11p15.5.
Variant type: single nucleotide variant.
Coding change: c.354G>A on transcript NM_003282.4 (MANE Select); coding-DNA position 354, G replaced by A.
Protein change: p.Ser118=; no amino-acid change (serine 118 retained).
Molecular consequence: synonymous variant.
Genome position (GRCh38, 1-based): chr11:1,841,108, G>A. VCF-style: chr11-1841108-G-A. GRCh37 (hg19) VCF-style: chr11-1862338-G-A.
Other names: c.354G>A, p.Ser118= (NM_001145829.2, NM_001145841.2).
Identifiers: ClinVar variation 167735 (VCV000167735.20), dbSNP rs141400587, ClinGen allele CA180455.